The following is an entry in ClinVar:

NM_020975.6(RET):c.143C>T (p.Thr48Met)

Gene: RET (ret proto-oncogene; plus strand). Cytogenetic location: 10q11.21.
Variant type: single nucleotide variant.
Coding change: c.143C>T on transcript NM_020975.6 (MANE Select); coding-DNA position 143, C replaced by T.
Protein change: p.Thr48Met; replaces threonine 48 with methionine.
Molecular consequence: missense variant.
Genome position (GRCh38, 1-based): chr10:43,100,528, C>T. VCF-style: chr10-43100528-C-T. GRCh37 (hg19) VCF-style: chr10-43595976-C-T.
Other names: c.143C>T, p.Thr48Met (NM_000323.2, NM_001406743.1, NM_001406744.1 and 34 more transcripts); short protein forms T48M.
Identifiers: ClinVar variation 819219 (VCV000819219.19), dbSNP rs1427186016, ClinGen allele CA376770187.

ClinVar aggregate classification (germline): Conflicting classifications of pathogenicity. Review status: criteria provided, conflicting classifications (1 of 4 stars). 6 submissions from 6 submitters: Uncertain significance (5); Likely benign (1). Last evaluated 2026-01-14.

Conditions:
Hereditary cancer-predisposing syndrome. Also called: Tumor predisposition; Hereditary neoplastic syndrome; Neoplastic Syndromes, Hereditary; Hereditary Cancer Syndrome. Identifiers: Orphanet 140162, MedGen C0027672, MeSH D009386, MONDO:0015356.
Multiple endocrine neoplasia type 2A. Also called: MULTIPLE ENDOCRINE NEOPLASIA, TYPE IIA; PTC SYNDROME; SIPPLE SYNDROME; MEN 2A; MEN-2A syndrome; Pheochromocytoma and amyloid producing medullary thyroid carcinoma. Identifiers: Orphanet 247698, Orphanet 653, MedGen C0025268, MeSH D018813, MONDO:0008234, OMIM 171400.
Multiple endocrine neoplasia, type 2 (MEN2). Identifiers: Orphanet 653, MedGen C4048306, MONDO:0019003. Disease mechanism: gain of function.

Allele frequency attached by ClinVar (database versions not stated): gnomAD exomes below 0.00001 and 0.00001; TOPMed below 0.00001.
gnomAD v4.1: 9 of 1,613,858 alleles (0.00056%); highest among the groups gnomAD compares: East Asian, 0.013%; no homozygotes.

Submissions (6):

Labcorp Genetics (formerly Invitae), Labcorp
Classification: Uncertain significance for Multiple endocrine neoplasia, type 2. Last evaluated: 2026-01-14. Review status: criteria provided, single submitter. Criteria: Invitae Variant Classification Sherloc (09022015). Collection method: clinical testing. Allele origin: germline.
Comment: This sequence change replaces threonine, which is neutral and polar, with methionine, which is neutral and non-polar, at codon 48 of the RET protein (p.Thr48Met). This variant is present in population databases (no rsID available, gnomAD 0.006%). This missense change has been observed in individual(s) with clinical features of RET-related conditions (PMID: 36936415). ClinVar contains an entry for this variant (Variation ID: 819219). An algorithm developed to predict the effect of missense changes on protein structure and function outputs the following: PolyPhen-2: "Benign". The methionine amino acid residue is found in multiple mammalian species, which suggests that this missense change does not adversely affect protein function. In summary, the available evidence is currently insufficient to determine the role of this variant in disease. Therefore, it has been classified as a Variant of Uncertain Significance.

GeneDx
Classification: Uncertain significance. Last evaluated: 2025-02-12. Review status: criteria provided, single submitter. Criteria: GeneDx Variant Classification Process June 2021. Collection method: clinical testing. Allele origin: germline.
Comment: Not observed at significant frequency in large population cohorts (gnomAD); In silico analysis indicates that this missense variant does not alter protein structure/function; Observed in individual(s) evaluated by whole genome sequencing with no specific phenotype information provided (PMID: 36936415); This variant is associated with the following publications: (PMID: 36936415, 14633923)

All of Us Research Program, National Institutes of Health
Classification: Uncertain significance for Multiple endocrine neoplasia, type 2. Last evaluated: 2024-04-10. Review status: criteria provided, single submitter. Criteria: ACMG Guidelines, 2015. Collection method: clinical testing. Allele origin: germline. Inheritance: Autosomal dominant inheritance. Observed: 4 variant alleles, 4 heterozygotes.
Comment: This missense variant replaces threonine with methionine at codon 48 of the RET protein. Computational prediction suggests that this variant may not impact protein structure and function (internally defined REVEL score threshold <= 0.5, PMID: 27666373). To our knowledge, functional studies have not been reported for this variant. This variant has not been reported as a germline variant in individuals affected with RET-related cancer in the literature. This variant has been identified in 1/250216 chromosomes in the general population by the Genome Aggregation Database (gnomAD). The available evidence is insufficient to determine the role of this variant in disease conclusively. Therefore, this variant is classified as a Variant of Uncertain Significance.

This study involves interpretation of variants in research participants for the purpose of population health screening. Participant phenotype was not available at the time of variant classification. Additional details can be found in publication PMID: 35346344, PMCID: PMC8962531

Color Diagnostics, LLC DBA Color Health
Classification: Uncertain significance for Multiple endocrine neoplasia, type 2. Last evaluated: 2023-05-11. Review status: criteria provided, single submitter. Criteria: ACMG Guidelines, 2015. Collection method: clinical testing. Allele origin: germline.
Comment: This missense variant replaces threonine with methionine at codon 48 of the RET protein. Computational prediction suggests that this variant may not impact protein structure and function (internally defined REVEL score threshold <= 0.5, PMID: 27666373). To our knowledge, functional studies have not been reported for this variant. This variant has not been reported as a germline variant in individuals affected with RET-related cancer in the literature. This variant has been identified in 1/250216 chromosomes in the general population by the Genome Aggregation Database (gnomAD). The available evidence is insufficient to determine the role of this variant in disease conclusively. Therefore, this variant is classified as a Variant of Uncertain Significance.

Genetics and Molecular Pathology, SA Pathology
Classification: Uncertain significance for Multiple endocrine neoplasia type 2A. Last evaluated: 2022-04-07. Review status: criteria provided, single submitter. Criteria: ACMG Guidelines, 2015. Collection method: clinical testing. Allele origin: germline. Inheritance: Autosomal dominant inheritance. Affected: yes.

Ambry Genetics
Classification: Likely benign for Hereditary cancer-predisposing syndrome. Last evaluated: 2017-11-03. Review status: criteria provided, single submitter. Criteria: Ambry Variant Classification Scheme 2023. Collection method: clinical testing. Allele origin: germline.

Literature cited by the submitters: PubMed 36936415 (cited by Labcorp Genetics (formerly Invitae), Labcorp).